The following is an entry in ClinVar:

NM_000384.3(APOB):c.3279C>G (p.Thr1093=)

Gene: APOB (apolipoprotein B; minus strand). Cytogenetic location: 2p24.1.
Variant type: single nucleotide variant.
Coding change: c.3279C>G on transcript NM_000384.3 (MANE Select); coding-DNA position 3279, C replaced by G.
Protein change: p.Thr1093=; no amino-acid change (threonine 1093 retained).
Molecular consequence: synonymous variant.
Genome position (GRCh38, 1-based): chr2:21,016,492, G>C on the plus strand (C>G on the coding strand, the complement: APOB is on the minus strand). VCF-style: chr2-21016492-G-C. GRCh37 (hg19) VCF-style: chr2-21239364-G-C.
Identifiers: ClinVar variation 544092 (VCV000544092.35), dbSNP rs72653075, ClinGen allele CA058415.
Genomic context (GRCh38, chr2:21,016,492, plus strand): 5'-TCTTTACCTTAGGTGGCCCATGAGGGCGACCTCAGTAATTTTCTTGTTCTGAATGTCCAG[G>C]GTGAGTCTGTAAGACGTTTTGCCCTCAGTAGATTCATCATTAACTCTGAGGATTGTTCCG-3'
Protein context (NP_000375.3, residues 1083-1103): STEGKTSYRL[Thr1093=]LDIQNKKITE

ClinVar aggregate classification (germline): Benign/Likely benign. Review status: criteria provided, multiple submitters, no conflicts (2 of 4 stars). 10 submissions from 10 submitters: Benign (4); Likely benign (4). 2 of the submissions do not count toward it. Last evaluated 2026-03-01.

Conditions:
Cardiovascular phenotype. Identifiers: MedGen CN230736.
Familial hypercholesterolemia. Also called: Familial hypercholesterolemias; Familial hypercholesterolaemia. Identifiers: MedGen C0020445, MONDO:0005439.
Hypercholesterolemia, autosomal dominant, type B (FHCL2). Also called: Hyperlipoproteinemia Type IIb; HYPERCHOLESTEROLEMIA, FAMILIAL, DUE TO LIGAND-DEFECTIVE APOLIPOPROTEIN B; Familial Hypercholesterolemia Type B; Familial hypercholesterolemia 2; APOB-Related Familial Hypercholesterolemia, Autosomal Dominant; APOLIPOPROTEIN B-100, FAMILIAL DEFECTIVE. Identifiers: MedGen C1704417, MONDO:0007751, OMIM 144010.
Familial hypobetalipoproteinemia 1. Also called: APOB-Related Familial Hypobetalipoproteinemia; Hypobetalipoproteinemia, normotriglyceridemic; Acanthocytosis with hypobetalipoproteinemia. Identifiers: MedGen C4551990, MONDO:0014252, OMIM 615558.

Allele frequency attached by ClinVar (database versions not stated): gnomAD exomes 0.00012 and 0.00038; ExAC 0.00048; gnomAD 0.00151 and 0.00163; TOPMed 0.00153; 1000 Genomes Project 0.00180; ESP Exome Variant Server 0.00185; 1000 Genomes Project 30x 0.00203.
gnomAD v4.1: 412 of 1,611,818 alleles (0.026%); highest among the groups gnomAD compares: African/African-American, 0.51%; no homozygotes.

Submissions (10):

CeGaT Center for Human Genetics Tuebingen
Classification: Likely benign. Last evaluated: 2026-03-01. Review status: criteria provided, single submitter. Criteria: CeGaT Center For Human Genetics Tuebingen Variant Classification Criteria Version 2. Collection method: clinical testing. Allele origin: germline. Affected: yes. Observed: 2 variant alleles.
Comment: APOB: BP4, BP7

Labcorp Genetics (formerly Invitae), Labcorp
Classification: Benign for Familial hypobetalipoproteinemia 1; Hypercholesterolemia, autosomal dominant, type B. Last evaluated: 2026-01-26. Review status: criteria provided, single submitter. Criteria: Invitae Variant Classification Sherloc (09022015). Collection method: clinical testing. Allele origin: germline.

Molecular Diagnostic Laboratory for Inherited Cardiovascular Disease, Montreal Heart Institute
Classification: Benign. Last evaluated: 2025-04-09. Review status: criteria provided, single submitter. Criteria: ACMG Guidelines, 2015. Collection method: clinical testing. Allele origin: germline. Affected: no.

GENinCode PLC
Classification: Likely benign for Familial hypercholesterolemia. Last evaluated: 2024-02-13. Review status: criteria provided, single submitter. Criteria: ACMG Guidelines, 2015. Collection method: clinical testing. Allele origin: germline.
Comment: This is a synonymous (silent) variant that is not predicted by SpliceAI to impact splicing. In addition, it occurs at a nucleotide that is not conserved and has a PopMax FAF which is greater than expected for this disorder. Therefore this variant has been classified as Likely Benign (BS1, BP4, BP7).

Ambry Genetics
Classification: Likely benign for Cardiovascular phenotype. Last evaluated: 2023-12-27. Review status: criteria provided, single submitter. Criteria: Ambry Variant Classification Scheme 2023. Collection method: clinical testing. Allele origin: germline.

GeneDx
Classification: Likely benign. Last evaluated: 2021-05-18. Review status: criteria provided, single submitter. Criteria: GeneDx Variant Classification Process June 2021. Collection method: clinical testing. Allele origin: germline. Affected: yes.
Comment: This variant is associated with the following publications: (PMID: 30333156)

ARUP Laboratories, Molecular Genetics and Genomics, ARUP Laboratories
Classification: Benign. Last evaluated: 2021-05-12. Review status: criteria provided, single submitter. Criteria: ARUP Molecular Germline Variant Investigation Process 2021. Collection method: clinical testing. Allele origin: germline.

Quest Diagnostics Nichols Institute San Juan Capistrano
Classification: Benign. Last evaluated: 2019-05-28. Review status: criteria provided, single submitter. Criteria: Quest Diagnostics criteria. Collection method: clinical testing. Allele origin: germline.

Clinical Genetics, Academic Medical Center
Classification: Benign. Review status: no assertion criteria provided. Collection method: clinical testing. Allele origin: germline. Affected: yes. Study: VKGL Data-share Consensus. Not counted in ClinVar's aggregate classification.

Diagnostic Laboratory, Department of Genetics, University Medical Center Groningen
Classification: Likely benign. Review status: no assertion criteria provided. Collection method: clinical testing. Allele origin: germline. Affected: yes. Study: VKGL Data-share Consensus. Not counted in ClinVar's aggregate classification.